The following is an entry in ClinVar:

ClinVar aggregate classification (germline): Uncertain significance (1 of 4 stars; one submission).

Submission:

Labcorp Genetics (formerly Invitae), Labcorp
Classification: Uncertain significance. Last evaluated: 2022-03-17. Review status: criteria provided, single submitter. Criteria: Invitae Variant Classification Sherloc (09022015). Collection method: clinical testing. Allele origin: germline.
Comment: This sequence change replaces tyrosine, which is neutral and polar, with cysteine, which is neutral and slightly polar, at codon 59 of the FN1 protein (p.Tyr59Cys). This variant is not present in population databases (gnomAD no frequency). This variant has not been reported in the literature in individuals affected with FN1-related conditions. Algorithms developed to predict the effect of missense changes on protein structure and function are either unavailable or do not agree on the potential impact of this missense change (SIFT: "Not Available"; PolyPhen-2: "Probably Damaging"; Align-GVGD: "Not Available"). In summary, the available evidence is currently insufficient to determine the role of this variant in disease. Therefore, it has been classified as a Variant of Uncertain Significance.

NM_212482.4(FN1):c.176A>G (p.Tyr59Cys)

Gene: FN1 (fibronectin 1; minus strand). Cytogenetic location: 2q35.
Variant type: single nucleotide variant.
Coding change: c.176A>G on transcript NM_212482.4 (MANE Select); coding-DNA position 176, A replaced by G.
Protein change: p.Tyr59Cys; replaces tyrosine 59 with cysteine.
Molecular consequence: missense variant.
Genome position (GRCh38, 1-based): chr2:215,434,797, T>C on the plus strand (A>G on the coding strand, the complement: FN1 is on the minus strand). VCF-style: chr2-215434797-T-C. GRCh37 (hg19) VCF-style: chr2-216299520-T-C.
Other names: c.176A>G, p.Tyr59Cys (NM_001306129.2, NM_001306130.2, NM_001306131.2 and 14 more transcripts); short protein forms Y59C.
Identifiers: ClinVar variation 2113271 (VCV002113271.4), dbSNP rs2470591318, ClinGen allele CA350480289.